The following is an entry in ClinVar:

ClinVar aggregate classification (germline): Likely pathogenic. Review status: criteria provided, multiple submitters, no conflicts (2 of 4 stars). 2 submissions from 2 submitters: Likely pathogenic (2). Last evaluated 2021-01-12.

Conditions:
Familial thoracic aortic aneurysm and aortic dissection (TAAD). Also called: Thoracic aortic aneurysms and dissections. Identifiers: Orphanet 91387, MedGen C4707243, MONDO:0019625.
Ehlers-Danlos syndrome, type 4 (EDSVASC). Also called: Ehlers-Danlos syndrome vascular type; Ehlers Danlos syndrome, ecchymotic type; Ehlers Danlos syndrome, arterial type; Ehlers Danlos syndrome, Sack-Barabas type; Ehlers-Danlos Syndrome Type IV. Identifiers: Orphanet 286, MedGen C0268338, MONDO:0017314, OMIM 130050.

Submissions (2):

Ambry Genetics
Classification: Likely pathogenic for Familial thoracic aortic aneurysm and aortic dissection. Last evaluated: 2021-01-12. Review status: criteria provided, single submitter. Criteria: Ambry Variant Classification Scheme 2023. Collection method: clinical testing. Allele origin: germline.
Comment: The c.448-1G>T intronic variant results from a G to T substitution one nucleotide before coding exon 5 of the COL3A1 gene. Alterations that disrupt the canonical splice site are expected to cause aberrant splicing, resulting in an abnormal protein or a transcript that is subject to nonsense-mediated mRNA decay. Based on data from the Genome Aggregation Database (gnomAD), the COL3A1 c.448-1G>T alteration was not observed, with coverage at this position. The c.448-1G nucleotide is conserved in available vertebrate species. In silico splice site analysis predicts that this alteration will weaken the native splice acceptor site and will result in the creation or strengthening of a novel splice acceptor site. The resulting transcript is predicted to be in-frame and is not expected to trigger nonsense-mediated mRNA decay; however, direct evidence is unavailable. The exact functional effect of the missing amino acids is unknown; however, the region predicted to be deleted includes the N-terminal propeptide cleavage site and thus, this alteration is expected to prevent the N-terminal cleavage of procollagen into mature collagen. Similar canonical alterations in the homologous COL1A2 gene have been shown to result in the retention of the N-terminal propeptide and have been reported to segregate with Ehlers-Danlos syndrome type VIIB (Chiodo, 1992). Based on the available evidence, this alteration is classified as likely pathogenic.

Labcorp Genetics (formerly Invitae), Labcorp
Classification: Likely pathogenic for Ehlers-Danlos syndrome, type 4. Last evaluated: 2019-06-28. Review status: criteria provided, single submitter. Criteria: Invitae Variant Classification Sherloc (09022015). Collection method: clinical testing. Allele origin: germline.
Comment: This sequence change affects an acceptor splice site in intron 4 of the COL3A1 gene. It is expected to disrupt RNA splicing and likely results in an absent or disrupted protein product. This variant is not present in population databases (ExAC no frequency). In summary, the currently available evidence indicates that the variant is pathogenic, but additional data are needed to prove that conclusively. Therefore, this variant has been classified as Likely Pathogenic. Donor and acceptor splice site variants typically lead to a loss of protein function (PMID: 16199547), and loss-of-function variants in COL3A1 are known to be pathogenic (PMID: 24922459). Algorithms developed to predict the effect of sequence changes on RNA splicing suggest that this variant may disrupt the consensus splice site, but this prediction has not been confirmed by published transcriptional studies. This variant has not been reported in the literature in individuals with COL3A1-related conditions.

Literature cited by the submitters: PubMed 1556139 (cited by Ambry Genetics); PubMed 16199547 (cited by Labcorp Genetics (formerly Invitae), Labcorp); PubMed 24922459 (cited by Labcorp Genetics (formerly Invitae), Labcorp).

NM_000090.4(COL3A1):c.448-1G>T

Gene: COL3A1 (collagen type III alpha 1 chain; plus strand). Cytogenetic location: 2q32.2.
Variant type: single nucleotide variant.
Coding change: c.448-1G>T on transcript NM_000090.4 (MANE Select); the canonical splice acceptor site of the intron before coding-DNA position 448, G replaced by T.
Molecular consequence: splice acceptor variant.
Genome position (GRCh38, 1-based): chr2:188,987,058, G>T. VCF-style: chr2-188987058-G-T. GRCh37 (hg19) VCF-style: chr2-189851784-G-T.
Identifiers: ClinVar variation 951179 (VCV000951179.9), dbSNP rs1688078187, ClinGen allele CA349848025.